The following is an entry in ClinVar:

NM_173495.3(PTCHD1):c.49C>G (p.Leu17Val)

Gene: PTCHD1 (patched domain containing 1; plus strand). Cytogenetic location: Xp22.11.
Variant type: single nucleotide variant.
Coding change: c.49C>G on transcript NM_173495.3 (MANE Select); coding-DNA position 49, C replaced by G.
Protein change: p.Leu17Val; replaces leucine 17 with valine.
Molecular consequence: missense variant.
Genome position (GRCh38, 1-based): chrX:23,334,924, C>G. VCF-style: chrX-23334924-C-G. GRCh37 (hg19) VCF-style: chrX-23353041-C-G.
Other names: short protein forms L17V.
Identifiers: ClinVar variation 3220620 (VCV003220620.2), dbSNP rs1463150822, ClinGen allele CA412578825.
Genomic context (GRCh38, chrX:23,334,924, plus strand): 5'-CTCTGCTCTAGGATGCTGCGGCAGGTTCTGCACAGGGGCTTGAGGACGTGTTTCTCCCGG[C>G]TCGGCCACTTCATTGCCAGTCACCCTGTCTTCTTCGCCTCGGCGCCGGTGCTCATCTCCA-3'
Protein context (NP_775766.2, residues 7-27): HRGLRTCFSR[Leu17Val]GHFIASHPVF

ClinVar aggregate classification (germline): Uncertain significance. Review status: criteria provided, multiple submitters, no conflicts (2 of 4 stars). 2 submissions from 2 submitters: Uncertain significance (2). Last evaluated 2024-01-22.

Conditions:
Inborn genetic diseases. Identifiers: MedGen C0950123, MeSH D030342.

Allele frequency attached by ClinVar (database versions not stated): gnomAD exomes 0.00001; TOPMed 0.00001.
gnomAD v4.1: 8 of 1,202,902 alleles (0.00067%); highest among the groups gnomAD compares: Non-Finnish European, 0.0009%; no homozygotes.

Submissions (2):

Ambry Genetics
Classification: Uncertain significance for Inborn genetic diseases. Last evaluated: 2024-01-22. Review status: criteria provided, single submitter. Criteria: Ambry Variant Classification Scheme 2023. Collection method: clinical testing. Allele origin: germline.

GeneDx
Classification: Uncertain significance. Last evaluated: 2023-10-26. Review status: criteria provided, single submitter. Criteria: GeneDx Variant Classification Process June 2021. Collection method: clinical testing. Allele origin: germline. Affected: yes.
Comment: In silico analysis supports that this missense variant does not alter protein structure/function; Has not been previously published as pathogenic or benign to our knowledge